The following is an entry in ClinVar:

ClinVar aggregate classification (germline): Uncertain significance (1 of 4 stars; one submission).

Conditions:
Hereditary cancer-predisposing syndrome. Also called: Neoplastic Syndromes, Hereditary; Tumor predisposition; Hereditary Cancer Syndrome; Hereditary neoplastic syndrome. Identifiers: Orphanet 140162, MedGen C0027672, MeSH D009386, MONDO:0015356.

gnomAD v4.1: 1 of 1,609,326 alleles (0.000062%); highest among the groups gnomAD compares: East Asian, 0.0022%; no homozygotes.

Submission:

Ambry Genetics
Classification: Uncertain significance for Hereditary cancer-predisposing syndrome. Last evaluated: 2019-03-05. Review status: criteria provided, single submitter. Criteria: Ambry Variant Classification Scheme 2023. Collection method: clinical testing. Allele origin: germline.
Comment: The p.Q815L variant (also known as c.2444A>T), located in coding exon 16 of the BRIP1 gene, results from an A to T substitution at nucleotide position 2444. The glutamine at codon 815 is replaced by leucine, an amino acid with dissimilar properties. This amino acid position is highly conserved in available vertebrate species. In addition, the in silico prediction for this alteration is inconclusive. Since supporting evidence is limited at this time, the clinical significance of this alteration remains unclear.

NM_032043.3(BRIP1):c.2444A>T (p.Gln815Leu)

Gene: BRIP1 (BRCA1 interacting DNA helicase 1; minus strand). Cytogenetic location: 17q23.2.
Variant type: single nucleotide variant.
Coding change: c.2444A>T on transcript NM_032043.3 (MANE Select); coding-DNA position 2444, A replaced by T.
Protein change: p.Gln815Leu; replaces glutamine 815 with leucine.
Molecular consequence: missense variant.
Genome position (GRCh38, 1-based): chr17:61,715,999, T>A on the plus strand (A>T on the coding strand, the complement: BRIP1 is on the minus strand). VCF-style: chr17-61715999-T-A. GRCh37 (hg19) VCF-style: chr17-59793360-T-A.
Other names: short protein forms Q815L.
Identifiers: ClinVar variation 821288 (VCV000821288.4), dbSNP rs1282067719, ClinGen allele CA400479591.